The following is an entry in ClinVar:

NM_000379.4(XDH):c.3994A>G (p.Arg1332Gly)

Gene: XDH (xanthine dehydrogenase; minus strand). Cytogenetic location: 2p23.1.
Variant type: single nucleotide variant.
Coding change: c.3994A>G on transcript NM_000379.4 (MANE Select); coding-DNA position 3994, A replaced by G.
Protein change: p.Arg1332Gly; replaces arginine 1332 with glycine.
Molecular consequence: missense variant.
Genome position (GRCh38, 1-based): chr2:31,335,966, T>C on the plus strand (A>G on the coding strand, the complement: XDH is on the minus strand). VCF-style: chr2-31335966-T-C. GRCh37 (hg19) VCF-style: chr2-31558832-T-C.
Other names: short protein forms R1332G.
Identifiers: ClinVar variation 1361758 (VCV001361758.6), dbSNP rs780939136, ClinGen allele CA1598167.

ClinVar aggregate classification (germline): Uncertain significance (1 of 4 stars; one submission).

Conditions:
Xanthinuria type II. Also called: Xanthine dehydrogenase and aldehyde oxidase combined deficiency of; XDH and AOX dual deficiency. Identifiers: Orphanet 3467, Orphanet 93602, MedGen C1863688, MONDO:0011346, OMIM 603592.

Allele frequency attached by ClinVar (database versions not stated): gnomAD exomes below 0.00001 and 0.00001; ExAC 0.00001; gnomAD 0.00001; TOPMed 0.00001.
gnomAD v4.1: 22 of 1,614,078 alleles (0.0014%); highest among the groups gnomAD compares: Non-Finnish European, 0.0019%; no homozygotes.

Submission:

Labcorp Genetics (formerly Invitae), Labcorp
Classification: Uncertain significance for Xanthinuria type II. Last evaluated: 2023-08-11. Review status: criteria provided, single submitter. Criteria: Invitae Variant Classification Sherloc (09022015). Collection method: clinical testing. Allele origin: germline.
Comment: An algorithm developed to predict the effect of missense changes on protein structure and function (PolyPhen-2) suggests that this variant is likely to be tolerated. This sequence change replaces arginine, which is basic and polar, with glycine, which is neutral and non-polar, at codon 1332 of the XDH protein (p.Arg1332Gly). This variant is present in population databases (rs780939136, gnomAD 0.0009%). This variant has not been reported in the literature in individuals affected with XDH-related conditions. ClinVar contains an entry for this variant (Variation ID: 1361758). In summary, the available evidence is currently insufficient to determine the role of this variant in disease. Therefore, it has been classified as a Variant of Uncertain Significance.